The following is an entry in ClinVar:

ClinVar aggregate classification (germline): Uncertain significance (1 of 4 stars; one submission).

Allele frequency attached by ClinVar (database versions not stated): gnomAD exomes below 0.00001.
gnomAD v4.1: 1 of 1,211,439 alleles (0.000083%); highest among the groups gnomAD compares: Non-Finnish European, 0.00011%; no homozygotes.

Submission:

GeneDx
Classification: Uncertain significance. Last evaluated: 2026-07-02. Review status: criteria provided, single submitter. Criteria: GeneDx Variant Classification Process June 2021. Collection method: clinical testing. Allele origin: germline.
Comment: Not observed at significant frequency in large population cohorts (gnomAD); In silico analysis supports that this missense variant has a deleterious effect on protein structure/function; Has not been previously published as pathogenic or benign to our knowledge

NM_001830.4(CLCN4):c.407C>T (p.Ser136Leu)

Gene: CLCN4 (Cl-/H+ antiporter 4; plus strand). Cytogenetic location: Xp22.2.
Variant type: single nucleotide variant.
Coding change: c.407C>T on transcript NM_001830.4 (MANE Select); coding-DNA position 407, C replaced by T.
Protein change: p.Ser136Leu; replaces serine 136 with leucine.
Molecular consequence: missense variant.
Genome position (GRCh38, 1-based): chrX:10,195,073, C>T. VCF-style: chrX-10195073-C-T. GRCh37 (hg19) VCF-style: chrX-10163113-C-T.
Other names: c.125C>T, p.Ser42Leu (NM_001256944.2); short protein forms S136L, S42L.
Identifiers: ClinVar variation 2504926 (VCV002504926.2), dbSNP rs2518877921, ClinGen allele CA412034374.